The following is an entry in ClinVar:

ClinVar aggregate classification (germline): Uncertain significance. Review status: criteria provided, multiple submitters, no conflicts (2 of 4 stars). 2 submissions from 2 submitters: Uncertain significance (2). Last evaluated 2026-03-26.

Conditions:
Hereditary cancer-predisposing syndrome. Also called: Tumor predisposition; Hereditary neoplastic syndrome; Neoplastic Syndromes, Hereditary; Hereditary Cancer Syndrome. Identifiers: Orphanet 140162, MedGen C0027672, MeSH D009386, MONDO:0015356.

Allele frequency attached by ClinVar (database versions not stated): gnomAD exomes below 0.00001.
gnomAD v4.1: 1 of 1,614,070 alleles (0.000062%); highest among the groups gnomAD compares: Non-Finnish European, 0.000085%; no homozygotes.

Submissions (2):

Ambry Genetics
Classification: Uncertain significance for Hereditary cancer-predisposing syndrome. Last evaluated: 2026-03-26. Review status: criteria provided, single submitter. Criteria: Ambry Variant Classification Scheme 2023. Collection method: clinical testing. Allele origin: germline.
Comment: The c.2847C>T variant (also known as p.G949G), located in coding exon 24 of the POLE gene, results from a C to T substitution at nucleotide position 2847. This nucleotide substitution does not change the amino acid at codon 949. This nucleotide position is not well conserved in available vertebrate species. In silico splice site analysis predicts that this alteration will weaken the native splice donor site and will result in the creation or strengthening of a novel splice donor site. Based on the available evidence, the clinical significance of this variant remains unclear.

Labcorp Genetics (formerly Invitae), Labcorp
Classification: Uncertain significance. Last evaluated: 2017-05-09. Review status: criteria provided, single submitter. Criteria: Invitae Variant Classification Sherloc (09022015). Collection method: clinical testing. Allele origin: germline.
Comment: This sequence change affects codon 949 of the POLE mRNA. It is a 'silent' change, meaning that it does not change the encoded amino acid sequence of the POLE protein. This variant is not present in population databases (ExAC no frequency) and has not been reported in the literature in individuals with a POLE-related disease. Algorithms developed to predict the effect of sequence changes on RNA splicing suggest that this variant may alter RNA splicing, but this prediction has not been confirmed by published transcriptional studies. In summary, this is a novel silent change with uncertain impact on splicing. It has been classified as a Variant of Uncertain Significance.

NM_006231.4(POLE):c.2847C>T (p.Gly949=)

Gene: POLE (DNA polymerase epsilon, catalytic subunit; minus strand). Cytogenetic location: 12q24.33.
Variant type: single nucleotide variant.
Coding change: c.2847C>T on transcript NM_006231.4 (MANE Select); coding-DNA position 2847, C replaced by T.
Protein change: p.Gly949=; no amino-acid change (glycine 949 retained).
Molecular consequence: synonymous variant.
Genome position (GRCh38, 1-based): chr12:132,661,544, G>A on the plus strand (C>T on the coding strand, the complement: POLE is on the minus strand). VCF-style: chr12-132661544-G-A. GRCh37 (hg19) VCF-style: chr12-133238130-G-A.
Other names: c.2847C>T (NM_006231.2).
Identifiers: ClinVar variation 473555 (VCV000473555.9), dbSNP rs1555226021, ClinGen allele CA482735518.